The following is an entry in ClinVar:

NM_001034853.2(RPGR):c.565G>A (p.Gly189Arg)

Gene: RPGR (retinitis pigmentosa GTPase regulator; minus strand). Cytogenetic location: Xp11.4.
Variant type: single nucleotide variant.
Coding change: c.565G>A on transcript NM_001034853.2 (MANE Select); coding-DNA position 565, G replaced by A.
Protein change: p.Gly189Arg; replaces glycine 189 with arginine.
Molecular consequence: missense variant. On other transcripts: non-coding transcript variant (5).
Genome position (GRCh38, 1-based): chrX:38,317,370, C>T on the plus strand (G>A on the coding strand, the complement: RPGR is on the minus strand). VCF-style: chrX-38317370-C-T. GRCh37 (hg19) VCF-style: chrX-38176623-C-T.
Other names: c.565G>A, p.Gly189Arg (NM_000328.3, NM_001367245.1, NM_001367246.1 and 3 more transcripts); c.595G>A, p.Gly199Arg (NM_001367248.1); c.562G>A, p.Gly188Arg (NM_001367249.1); short protein forms G189R, G199R, G188R.
Identifiers: ClinVar variation 391146 (VCV000391146.4), dbSNP rs1057523984, ClinGen allele CA16608914.

ClinVar aggregate classification (germline): Uncertain significance (1 of 4 stars; one submission).

Allele frequency attached by ClinVar (database versions not stated): gnomAD exomes below 0.00001.
gnomAD v4.1: 1 of 1,209,495 alleles (0.000083%); highest among the groups gnomAD compares: Non-Finnish European, 0.00011%; no homozygotes.

Submission:

GeneDx
Classification: Uncertain significance. Last evaluated: 2024-11-10. Review status: criteria provided, single submitter. Criteria: GeneDx Variant Classification Process June 2021. Collection method: clinical testing. Allele origin: germline. Affected: yes.
Comment: Not observed at significant frequency in large population cohorts (gnomAD); In silico analysis supports that this missense variant has a deleterious effect on protein structure/function; Has not been previously published as pathogenic or benign to our knowledge